The following is an entry in ClinVar:

ClinVar aggregate classification (germline): Uncertain significance (1 of 4 stars; one submission).

Conditions:
Bloom syndrome (BLM). Also called: Bloom-Torre-Machacek syndrome. Identifiers: Orphanet 125, MedGen C0005859, MONDO:0008876, OMIM 210900.

Submission:

Labcorp Genetics (formerly Invitae), Labcorp
Classification: Uncertain significance for Bloom syndrome. Last evaluated: 2024-03-16. Review status: criteria provided, single submitter. Criteria: Invitae Variant Classification Sherloc (09022015). Collection method: clinical testing. Allele origin: germline.
Comment: This sequence change replaces lysine, which is basic and polar, with glutamine, which is neutral and polar, at codon 588 of the BLM protein (p.Lys588Gln). This variant is not present in population databases (gnomAD no frequency). This variant has not been reported in the literature in individuals affected with BLM-related conditions. Advanced modeling of protein sequence and biophysical properties (such as structural, functional, and spatial information, amino acid conservation, physicochemical variation, residue mobility, and thermodynamic stability) performed at Invitae indicates that this missense variant is not expected to disrupt BLM protein function with a negative predictive value of 80%. In summary, the available evidence is currently insufficient to determine the role of this variant in disease. Therefore, it has been classified as a Variant of Uncertain Significance.

NM_000057.4(BLM):c.1762A>C (p.Lys588Gln)

Gene: BLM (BLM RecQ like helicase; plus strand). Cytogenetic location: 15q26.1.
Variant type: single nucleotide variant.
Coding change: c.1762A>C on transcript NM_000057.4 (MANE Select); coding-DNA position 1762, A replaced by C.
Protein change: p.Lys588Gln; replaces lysine 588 with glutamine.
Molecular consequence: missense variant.
Genome position (GRCh38, 1-based): chr15:90,761,135, A>C. VCF-style: chr15-90761135-A-C. GRCh37 (hg19) VCF-style: chr15-91304365-A-C.
Other names: c.1762A>C, p.Lys588Gln (NM_001287246.2, NM_001287247.2); c.637A>C, p.Lys213Gln (NM_001287248.2); short protein forms K213Q, K588Q.
Identifiers: ClinVar variation 3646315 (VCV003646315.2).